The following is an entry in ClinVar:

ClinVar aggregate classification (germline): Uncertain significance (1 of 4 stars; one submission).

Conditions:
Dilated cardiomyopathy 1Z (CMD1Z). Identifiers: Orphanet 154, MedGen C2678475, MONDO:0012745, OMIM 611879.
Hypertrophic cardiomyopathy 13. Also called: TNNC1-Related Familial Hypertrophic Cardiomyopathy. Identifiers: MedGen C2750472, MONDO:0013195, OMIM 613243.

Submission:

Labcorp Genetics (formerly Invitae), Labcorp
Classification: Uncertain significance for Hypertrophic cardiomyopathy 13; Dilated cardiomyopathy 1Z. Last evaluated: 2019-07-11. Review status: criteria provided, single submitter. Criteria: Invitae Variant Classification Sherloc (09022015). Collection method: clinical testing. Allele origin: germline.
Comment: In summary, the available evidence is currently insufficient to determine the role of this variant in disease. Therefore, it has been classified as a Variant of Uncertain Significance. Algorithms developed to predict the effect of missense changes on protein structure and function are either unavailable or do not agree on the potential impact of this missense change (SIFT: "Tolerated"; PolyPhen-2: "Probably Damaging"; Align-GVGD: "Class C0"). This variant has not been reported in the literature in individuals with TNNC1-related conditions. This variant is not present in population databases (ExAC no frequency). This sequence change replaces glutamic acid with aspartic acid at codon 63 of the TNNC1 protein (p.Glu63Asp). The glutamic acid residue is highly conserved and there is a small physicochemical difference between glutamic acid and aspartic acid.

NM_003280.3(TNNC1):c.189G>C (p.Glu63Asp)

Gene: TNNC1 (troponin C1, slow skeletal and cardiac type; minus strand). Cytogenetic location: 3p21.1.
Variant type: single nucleotide variant.
Coding change: c.189G>C on transcript NM_003280.3 (MANE Select); coding-DNA position 189, G replaced by C.
Protein change: p.Glu63Asp; replaces glutamic acid 63 with aspartic acid.
Molecular consequence: missense variant.
Genome position (GRCh38, 1-based): chr3:52,452,119, C>G on the plus strand (G>C on the coding strand, the complement: TNNC1 is on the minus strand). VCF-style: chr3-52452119-C-G. GRCh37 (hg19) VCF-style: chr3-52486135-C-G.
Other names: short protein forms E63D.
Identifiers: ClinVar variation 939652 (VCV000939652.6), dbSNP rs864622721, ClinGen allele CA353168072.